The following is an entry in ClinVar:

NM_203447.4(DOCK8):c.-69T>C

Genes: DOCK8 (dedicator of cytokinesis 8; plus strand), DOCK8-AS1 (DOCK8 antisense RNA 1; minus strand), LOC130001436 (ATAC-STARR-seq lymphoblastoid silent region 19721; plus strand). Cytogenetic location: 9p24.3.
Variant type: single nucleotide variant.
Coding change: c.-69T>C on transcript NM_203447.4 (MANE Select); 69 bases upstream of the start codon, T replaced by C.
Molecular consequence: 5 prime UTR variant. On other transcripts: non-coding transcript variant (1).
Genome position (GRCh38, 1-based): chr9:214,908, T>C. VCF-style: chr9-214908-T-C. GRCh37 (hg19) VCF-style: chr9-214908-T-C.
Identifiers: ClinVar variation 366225 (VCV000366225.7), dbSNP rs62533313, ClinGen allele CA4956878.

ClinVar aggregate classification (germline): Benign. Review status: criteria provided, multiple submitters, no conflicts (2 of 4 stars). 3 submissions from 3 submitters: Benign (3). Last evaluated 2018-06-19.

Conditions:
Combined immunodeficiency due to DOCK8 deficiency (HIES2). Also called: HIES autosomal recessive; Hyper-IgE recurrent infection syndrome, autosomal recessive; HYPER-IgE RECURRENT INFECTION SYNDROME 2, AUTOSOMAL RECESSIVE; HYPER-IgE SYNDROME 2, AUTOSOMAL RECESSIVE, WITH RECURRENT INFECTIONS; DOCK8 Deficiency. Identifiers: Orphanet 217390, MedGen C4722305, MONDO:0009478, OMIM 243700.

Allele frequency attached by ClinVar (database versions not stated): 1000 Genomes Project 0.08726; 1000 Genomes Project 30x 0.09010; gnomAD exomes 0.09050 and 0.09865; ESP Exome Variant Server 0.09332; TOPMed 0.09516; gnomAD 0.09687 and 0.09752; ExAC 0.09886.
gnomAD v4.1: 157,713 of 1,603,930 alleles (9.8%); highest among the groups gnomAD compares: South Asian, 12%; 8,213 homozygotes.

Submissions (3):

GeneDx
Classification: Benign. Last evaluated: 2018-06-19. Review status: criteria provided, single submitter. Criteria: GeneDx Variant Classification (06012015). Collection method: clinical testing. Allele origin: germline. Affected: yes.
Comment: This variant is considered likely benign or benign based on one or more of the following criteria: it is a conservative change, it occurs at a poorly conserved position in the protein, it is predicted to be benign by multiple in silico algorithms, and/or has population frequency not consistent with disease.

Illumina Laboratory Services, Illumina
Classification: Benign for Combined immunodeficiency due to DOCK8 deficiency. Last evaluated: 2018-01-13. Review status: criteria provided, single submitter. Criteria: ICSL Variant Classification Criteria 13 December 2019. Collection method: clinical testing. Allele origin: germline.
Comment: This variant was observed in the ICSL laboratory as part of a predisposition screen in an ostensibly healthy population. It had not been previously curated by ICSL or reported in the Human Gene Mutation Database (HGMD: prior to June 1st, 2018), and was therefore a candidate for classification through an automated scoring system. Utilizing variant allele frequency, disease prevalence and penetrance estimates, and inheritance mode, an automated score was calculated to assess if this variant is too frequent to cause the disease. Based on the score and internal cut-off values, a variant classified as benign is not then subjected to further curation. The score for this variant resulted in a classification of benign for this disease.

Breakthrough Genomics
Classification: Benign. Review status: criteria provided, single submitter. Criteria: ACMG Guidelines, 2015. Collection method: not provided. Allele origin: germline. Inheritance: Autosomal recessive inheritance. Affected: yes.